The following is an entry in ClinVar:

NM_000535.7(PMS2):c.1297A>G (p.Lys433Glu)

Gene: PMS2 (PMS1 homolog 2, mismatch repair system component; minus strand). Cytogenetic location: 7p22.1.
Variant type: single nucleotide variant.
Coding change: c.1297A>G on transcript NM_000535.7 (MANE Select); coding-DNA position 1297, A replaced by G.
Protein change: p.Lys433Glu; replaces lysine 433 with glutamic acid.
Molecular consequence: missense variant. On other transcripts: non-coding transcript variant (1).
Genome position (GRCh38, 1-based): chr7:5,987,468, T>C on the plus strand (A>G on the coding strand, the complement: PMS2 is on the minus strand). VCF-style: chr7-5987468-T-C. GRCh37 (hg19) VCF-style: chr7-6027099-T-C.
Other names: c.892A>G, p.Lys298Glu (NM_001322003.2, NM_001322004.2, NM_001322005.2 and 1 more transcripts); c.1141A>G, p.Lys381Glu (NM_001322006.2); c.979A>G, p.Lys327Glu (NM_001322007.2, NM_001322008.2); c.736A>G, p.Lys246Glu (NM_001322010.2); c.364A>G, p.Lys122Glu (NM_001322011.2, NM_001322012.2); c.724A>G, p.Lys242Glu (NM_001322013.2); c.1297A>G, p.Lys433Glu (NM_001322014.2); c.988A>G, p.Lys330Glu (NM_001322015.2); short protein forms K433E, K122E, K242E, K246E, K298E, K327E, K330E, K381E.
Identifiers: ClinVar variation 577493 (VCV000577493.12), dbSNP rs863224496, ClinGen allele CA366742389.

ClinVar aggregate classification (germline): Conflicting classifications of pathogenicity. Review status: criteria provided, conflicting classifications (1 of 4 stars). 3 submissions from 3 submitters: Uncertain significance (2); Likely benign (1). Last evaluated 2025-11-18.

Conditions:
Hereditary cancer-predisposing syndrome. Also called: Tumor predisposition; Hereditary neoplastic syndrome; Hereditary Cancer Syndrome; Neoplastic Syndromes, Hereditary. Identifiers: Orphanet 140162, MedGen C0027672, MeSH D009386, MONDO:0015356.
Lynch syndrome. Identifiers: Orphanet 144, MedGen C4552100, MONDO:0005835. Disease mechanism: loss of function.
Hereditary nonpolyposis colorectal neoplasms. Identifiers: MedGen C0009405, MeSH D003123.

Allele frequency attached by ClinVar (database versions not stated): gnomAD exomes below 0.00001; TOPMed below 0.00001; gnomAD 0.00001.
gnomAD v4.1: 3 of 1,614,044 alleles (0.00019%); highest among the groups gnomAD compares: East Asian, 0.0067%; no homozygotes.

Submissions (3):

Labcorp Genetics (formerly Invitae), Labcorp
Classification: Uncertain significance for Hereditary nonpolyposis colorectal neoplasms. Last evaluated: 2025-11-18. Review status: criteria provided, single submitter. Criteria: Invitae Variant Classification Sherloc (09022015). Collection method: clinical testing. Allele origin: germline.
Comment: This sequence change replaces lysine, which is basic and polar, with glutamic acid, which is acidic and polar, at codon 433 of the PMS2 protein (p.Lys433Glu). This variant is present in population databases (no rsID available, gnomAD 0.006%). This variant has not been reported in the literature in individuals affected with PMS2-related conditions. ClinVar contains an entry for this variant (Variation ID: 577493). Invitae Evidence Modeling incorporating data from in vitro experimental studies (internal data) indicates that this missense variant is not expected to disrupt PMS2 function with a negative predictive value of 95%. In summary, the available evidence is currently insufficient to determine the role of this variant in disease. Therefore, it has been classified as a Variant of Uncertain Significance.

Ambry Genetics
Classification: Likely benign for Hereditary cancer-predisposing syndrome. Last evaluated: 2024-08-13. Review status: criteria provided, single submitter. Criteria: Ambry Variant Classification Scheme 2023. Collection method: clinical testing. Allele origin: germline.

All of Us Research Program, National Institutes of Health
Classification: Uncertain significance for Lynch syndrome. Last evaluated: 2024-02-22. Review status: criteria provided, single submitter. Criteria: ACMG Guidelines, 2015. Collection method: clinical testing. Allele origin: germline. Inheritance: Autosomal dominant inheritance. Observed: 2 variant alleles, 2 heterozygotes.
Comment: This missense variant replaces lysine with glutamic acid at codon 433 of the PMS2 protein. Computational prediction suggests that this variant may not impact protein structure and function (internally defined REVEL score threshold <= 0.5, PMID: 27666373). To our knowledge, functional studies have not been reported for this variant. This variant has not been reported in individuals affected with PMS2-related disorders in the literature. This variant has been identified in 1/251074 chromosomes in the general population by the Genome Aggregation Database (gnomAD). The available evidence is insufficient to determine the role of this variant in disease conclusively. Therefore, this variant is classified as a Variant of Uncertain Significance.

This study involves interpretation of variants in research participants for the purpose of population health screening. Participant phenotype was not available at the time of variant classification. Additional details can be found in publication PMID: 35346344, PMCID: PMC8962531